The following is an entry in ClinVar:

NM_000426.4(LAMA2):c.670A>G (p.Ser224Gly)

Gene: LAMA2 (laminin subunit alpha 2; plus strand). Cytogenetic location: 6q22.33.
Variant type: single nucleotide variant.
Coding change: c.670A>G on transcript NM_000426.4 (MANE Select); coding-DNA position 670, A replaced by G.
Protein change: p.Ser224Gly; replaces serine 224 with glycine.
Molecular consequence: missense variant.
Genome position (GRCh38, 1-based): chr6:129,143,931, A>G. VCF-style: chr6-129143931-A-G. GRCh37 (hg19) VCF-style: chr6-129465076-A-G.
Other names: c.670A>G, p.Ser224Gly (NM_001079823.2); short protein forms S224G.
Identifiers: ClinVar variation 426628 (VCV000426628.5), dbSNP rs1085307718, ClinGen allele CA365605934.
Genomic context (GRCh38, chr6:129,143,931, plus strand): 5'-AATTGTTAAATTATTTTTCATATTGTGTAGATTCACATCTCTTTAATCAATGGGAGACCA[A>G]GTGCCGATGATCCTTCTCCAGAACTGCTAGAATTTACCTCCGCTCGCTATATTCGCCTGA-3'
Protein context (NP_000417.3, residues 214-234): IHISLINGRP[Ser224Gly]ADDPSPELLE

ClinVar aggregate classification (germline): Uncertain significance. Review status: criteria provided, multiple submitters, no conflicts (2 of 4 stars). 2 submissions from 2 submitters: Uncertain significance (2). Last evaluated 2022-11-28.

Submissions (2):

Revvity Omics, Revvity
Classification: Uncertain significance. Last evaluated: 2022-11-28. Review status: criteria provided, single submitter. Criteria: ACMG Guidelines, 2015. Collection method: clinical testing. Allele origin: germline.

GeneDx
Classification: Uncertain significance. Last evaluated: 2017-04-10. Review status: criteria provided, single submitter. Criteria: GeneDx Variant Classification (06012015). Collection method: clinical testing. Allele origin: germline. Affected: yes.
Comment: A variant of uncertain significance has been identified in the LAMA2 gene. The S224G variant has not been published as a pathogenic variant, nor has it been reported as a benign variant to our knowledge. The S224G variant is not observed in large population cohorts (Lek et al., 2016; 1000 Genomes Consortium et al., 2015; Exome Variant Server). The S224G variant is a non-conservative amino acid substitution, which is likely to impact secondary protein structure as these residues differ in polarity, charge, size and/or other properties. This substitution occurs at a position that is conserved across species. However, in silico analysis is inconsistent in its predictions as to whether or not the variant is damaging to the protein structure/function. Therefore, based on the currently available information, it is unclear whether this variant is a pathogenic variant or a rare benign variant.